The following is an entry in ClinVar:

NM_032620.4(GTPBP3):c.34G>T (p.Ala12Ser)

Gene: GTPBP3 (GTP binding protein 3, mitochondrial; plus strand). Cytogenetic location: 19p13.11.
Variant type: single nucleotide variant.
Coding change: c.34G>T on transcript NM_032620.4 (MANE Select); coding-DNA position 34, G replaced by T.
Protein change: p.Ala12Ser; replaces alanine 12 with serine.
Molecular consequence: missense variant. On other transcripts: intron variant (1).
Genome position (GRCh38, 1-based): chr19:17,337,645, G>T. VCF-style: chr19-17337645-G-T. GRCh37 (hg19) VCF-style: chr19-17448454-G-T.
Other names: c.34G>T, p.Ala12Ser (NM_001128855.3, NM_133644.4); c.120-363G>T (NM_001195422.1); short protein forms A12S.
Identifiers: ClinVar variation 1495579 (VCV001495579.5), dbSNP rs1174497205, ClinGen allele CA404730507.

ClinVar aggregate classification (germline): Uncertain significance (1 of 4 stars; one submission).

Submission:

Labcorp Genetics (formerly Invitae), Labcorp
Classification: Uncertain significance. Last evaluated: 2022-08-10. Review status: criteria provided, single submitter. Criteria: Invitae Variant Classification Sherloc (09022015). Collection method: clinical testing. Allele origin: germline.
Comment: In summary, the available evidence is currently insufficient to determine the role of this variant in disease. Therefore, it has been classified as a Variant of Uncertain Significance. Algorithms developed to predict the effect of missense changes on protein structure and function (SIFT, PolyPhen-2, Align-GVGD) all suggest that this variant is likely to be tolerated. ClinVar contains an entry for this variant (Variation ID: 1495579). This variant has not been reported in the literature in individuals affected with GTPBP3-related conditions. This variant is not present in population databases (gnomAD no frequency). This sequence change replaces alanine, which is neutral and non-polar, with serine, which is neutral and polar, at codon 12 of the GTPBP3 protein (p.Ala12Ser).